The following is an entry in ClinVar:

NM_153240.5(NPHP3):c.1743+6G>A

Genes: NPHP3 (nephrocystin 3; minus strand), NPHP3-ACAD11 (NPHP3-ACAD11 readthrough (NMD candidate); minus strand). Cytogenetic location: 3q22.1.
Variant type: single nucleotide variant.
Coding change: c.1743+6G>A on transcript NM_153240.5 (MANE Select); 6 bases into the intron after coding-DNA position 1743, G replaced by A.
Molecular consequence: intron variant.
Genome position (GRCh38, 1-based): chr3:132,700,328, C>T on the plus strand (G>A on the coding strand, the complement: NPHP3 is on the minus strand). VCF-style: chr3-132700328-C-T. GRCh37 (hg19) VCF-style: chr3-132419172-C-T.
Identifiers: ClinVar variation 1508309 (VCV001508309.6), dbSNP rs761386522, ClinGen allele CA2622221.

ClinVar aggregate classification (germline): Uncertain significance (1 of 4 stars; one submission).

Conditions:
Nephronophthisis. Also called: Juvenile Nephronophthisis. Identifiers: Orphanet 655, MedGen C0687120, MONDO:0019005, HP:0000090.

Allele frequency attached by ClinVar (database versions not stated): ExAC 0.00001; TOPMed 0.00001; gnomAD exomes 0.00002.
gnomAD v4.1: 6 of 1,566,050 alleles (0.00038%); highest among the groups gnomAD compares: Admixed American, 0.0017%; no homozygotes.

Submission:

Labcorp Genetics (formerly Invitae), Labcorp
Classification: Uncertain significance for Nephronophthisis. Last evaluated: 2022-06-20. Review status: criteria provided, single submitter. Criteria: Invitae Variant Classification Sherloc (09022015). Collection method: clinical testing. Allele origin: germline.
Comment: This variant has not been reported in the literature in individuals affected with NPHP3-related conditions. This variant is present in population databases (rs761386522, gnomAD 0.003%). This sequence change falls in intron 11 of the NPHP3 gene. It does not directly change the encoded amino acid sequence of the NPHP3 protein. It affects a nucleotide within the consensus splice site. Variants that disrupt the consensus splice site are a relatively common cause of aberrant splicing (PMID: 17576681, 9536098). Algorithms developed to predict the effect of sequence changes on RNA splicing suggest that this variant is not likely to affect RNA splicing. In summary, the available evidence is currently insufficient to determine the role of this variant in disease. Therefore, it has been classified as a Variant of Uncertain Significance.

Literature cited by the submitters: PubMed 17576681; PubMed 9536098.